The following is an entry in ClinVar:

ClinVar aggregate classification (germline): Uncertain significance (1 of 4 stars; one submission).

Conditions:
Baller-Gerold syndrome (BGS). Also called: CRANIOSYNOSTOSIS WITH RADIAL DEFECTS. Identifiers: Orphanet 1225, MedGen C0265308, MONDO:0009039, OMIM 218600.

gnomAD v4.1: 4 of 1,612,496 alleles (0.00025%); highest among the groups gnomAD compares: Admixed American, 0.0033%; no homozygotes.

Submission:

Labcorp Genetics (formerly Invitae), Labcorp
Classification: Uncertain significance for Baller-Gerold syndrome. Last evaluated: 2022-04-09. Review status: criteria provided, single submitter. Criteria: Invitae Variant Classification Sherloc (09022015). Collection method: clinical testing. Allele origin: germline.
Comment: ClinVar contains an entry for this variant (Variation ID: 1041983). Experimental studies and prediction algorithms are not available or were not evaluated, and the functional significance of this variant is currently unknown. In summary, the available evidence is currently insufficient to determine the role of this variant in disease. Therefore, it has been classified as a Variant of Uncertain Significance. This variant has not been reported in the literature in individuals affected with RECQL4-related conditions. This sequence change creates a premature translational stop signal (p.Lys1154*) in the RECQL4 gene. While this is not anticipated to result in nonsense mediated decay, it is expected to disrupt the last 55 amino acid(s) of the RECQL4 protein. This variant is present in population databases (no rsID available, gnomAD 0.003%).

NM_004260.4(RECQL4):c.3460A>T (p.Lys1154Ter)

Gene: RECQL4 (RecQ like helicase 4; minus strand). Cytogenetic location: 8q24.3.
Variant type: single nucleotide variant.
Coding change: c.3460A>T on transcript NM_004260.4 (MANE Select); coding-DNA position 3460, A replaced by T.
Protein change: p.Lys1154Ter; replaces lysine 1154 with a stop codon.
Molecular consequence: nonsense.
Genome position (GRCh38, 1-based): chr8:144,511,723, T>A on the plus strand (A>T on the coding strand, the complement: RECQL4 is on the minus strand). VCF-style: chr8-144511723-T-A. GRCh37 (hg19) VCF-style: chr8-145737106-T-A.
Other names: short protein forms K1154*.
Identifiers: ClinVar variation 1041983 (VCV001041983.5), dbSNP rs1564787413, ClinGen allele CA372666923.
Genomic context (GRCh38, chr8:144,511,723, plus strand): 5'-GGGCCTCCCAGGCCTCACCGATGCCGTGGAAGATGCGGGCCACAGCCCTGCTGGAGAACT[T>A]CTCCTCTGGCCTCAGGGACAGGAACTGGCGGATGTCGCAGCGGACCTGGTCCTCCCAATC-3'